The following is an entry in ClinVar:

ClinVar aggregate classification (germline): Likely pathogenic (1 of 4 stars; one submission).

Conditions:
Primary ciliary dyskinesia 28. Also called: CILIARY DYSKINESIA, PRIMARY, 28, WITH OR WITHOUT SITUS INVERSUS. Identifiers: Orphanet 244, MedGen C3809706, MONDO:0014216, OMIM 615505.

Submission:

Labcorp Genetics (formerly Invitae), Labcorp
Classification: Likely pathogenic for Primary ciliary dyskinesia 28. Last evaluated: 2022-11-18. Review status: criteria provided, single submitter. Criteria: Invitae Variant Classification Sherloc (09022015). Collection method: clinical testing. Allele origin: germline.
Comment: This sequence change affects a donor splice site in intron 11 of the SPAG1 gene. It is expected to disrupt RNA splicing. Variants that disrupt the donor or acceptor splice site typically lead to a loss of protein function (PMID: 16199547), and loss-of-function variants in SPAG1 are known to be pathogenic (PMID: 24055112). This variant is not present in population databases (gnomAD no frequency). This variant has not been reported in the literature in individuals affected with SPAG1-related conditions. Algorithms developed to predict the effect of sequence changes on RNA splicing suggest that this variant may disrupt the consensus splice site. In summary, the currently available evidence indicates that the variant is pathogenic, but additional data are needed to prove that conclusively. Therefore, this variant has been classified as Likely Pathogenic.

Literature cited by the submitters: PubMed 16199547; PubMed 24055112.

NM_003114.5(SPAG1):c.1435+2T>C

Genes: SPAG1 (sperm associated antigen 1; plus strand), LOC130000832 (ATAC-STARR-seq lymphoblastoid silent region 19412; plus strand). Cytogenetic location: 8q22.2.
Variant type: single nucleotide variant.
Coding change: c.1435+2T>C on transcript NM_003114.5 (MANE Select); the canonical splice donor site of the intron after coding-DNA position 1435, T replaced by C.
Molecular consequence: splice donor variant.
Genome position (GRCh38, 1-based): chr8:100,213,430, T>C. VCF-style: chr8-100213430-T-C. GRCh37 (hg19) VCF-style: chr8-101225658-T-C.
Other names: c.1435+2T>C (NM_172218.3, NM_001374321.1).
Identifiers: ClinVar variation 2815135 (VCV002815135.3), dbSNP rs2489447196, ClinGen allele CA371809690.